The following is an entry in ClinVar:

NM_000548.5(TSC2):c.4436C>T (p.Ala1479Val)

Gene: TSC2 (TSC complex subunit 2; plus strand). Cytogenetic location: 16p13.3.
Variant type: single nucleotide variant.
Coding change: c.4436C>T on transcript NM_000548.5 (MANE Select); coding-DNA position 4436, C replaced by T.
Protein change: p.Ala1479Val; replaces alanine 1479 with valine.
Molecular consequence: missense variant.
Genome position (GRCh38, 1-based): chr16:2,084,658, C>T. VCF-style: chr16-2084658-C-T. GRCh37 (hg19) VCF-style: chr16-2134659-C-T.
Other names: c.4235C>T, p.Ala1412Val (NM_001077183.3); c.4367C>T, p.Ala1456Val (NM_001114382.3); c.4127C>T, p.Ala1376Val (NM_001318827.2); c.4091C>T, p.Ala1364Val (NM_001318829.2); c.3704C>T, p.Ala1235Val (NM_001318831.2); c.4268C>T, p.Ala1423Val (NM_001318832.2); c.4238C>T, p.Ala1413Val (NM_001363528.2); c.4304C>T, p.Ala1435Val (NM_001370404.1); and 1 more; short protein forms A1479V, A1413V, A1435V, A1436V, A1235V, A1376V, A1423V, A1456V.
Identifiers: ClinVar variation 65329 (VCV000065329.17), dbSNP rs397515242, ClinGen allele CA020465.

ClinVar aggregate classification (germline): Benign/Likely benign. Review status: criteria provided, multiple submitters, no conflicts (2 of 4 stars). 8 submissions from 8 submitters: Benign (3); Likely benign (4). 1 of the submissions does not count toward it. Last evaluated 2026-05-01.

Conditions:
Hereditary cancer-predisposing syndrome. Also called: Hereditary Cancer Syndrome; Tumor predisposition; Neoplastic Syndromes, Hereditary; Hereditary neoplastic syndrome. Identifiers: Orphanet 140162, MedGen C0027672, MeSH D009386, MONDO:0015356.
Tuberous sclerosis syndrome (TSC). Also called: Tuberous Sclerosis Complex; Tuberous sclerosis. Identifiers: Orphanet 805, MedGen C0041341, MONDO:0001734.
Tuberous sclerosis 2 (TSC2). Identifiers: Orphanet 805, MedGen C1860707, MONDO:0013199, OMIM 613254.

Allele frequency attached by ClinVar (database versions not stated): gnomAD 0.00002 and 0.00001; TOPMed 0.00002; ExAC 0.00003; gnomAD exomes 0.00003 and 0.00001; 1000 Genomes Project 30x 0.00016; 1000 Genomes Project 0.00020.
gnomAD v4.1: 13 of 1,599,012 alleles (0.00081%); highest among the groups gnomAD compares: East Asian, 0.013%; no homozygotes.

Submissions (8):

CeGaT Center for Human Genetics Tuebingen
Classification: Likely benign. Last evaluated: 2026-05-01. Review status: criteria provided, single submitter. Criteria: CeGaT Center For Human Genetics Tuebingen Variant Classification Criteria Version 2. Collection method: clinical testing. Allele origin: germline. Affected: yes. Observed: 1 variant allele.
Comment: TSC2: BS2

Labcorp Genetics (formerly Invitae), Labcorp
Classification: Benign for Tuberous sclerosis 2. Last evaluated: 2026-01-17. Review status: criteria provided, single submitter. Criteria: Invitae Variant Classification Sherloc (09022015). Collection method: clinical testing. Allele origin: germline.

Myriad Genetics, Inc.
Classification: Likely benign for Tuberous sclerosis 2. Last evaluated: 2024-08-20. Review status: criteria provided, single submitter. Criteria: Myriad Autosomal Dominant, Autosomal Recessive and X-Linked Classification Criteria (2023). Collection method: clinical testing. Allele origin: unknown.
Comment: This variant is considered likely benign. This variant has been observed at a population frequency that is significantly greater than expected given the associated disease prevalence and penetrance.

Color Diagnostics, LLC DBA Color Health
Classification: Likely benign for Tuberous sclerosis syndrome. Last evaluated: 2023-11-30. Review status: criteria provided, single submitter. Criteria: ACMG Guidelines, 2015. Collection method: clinical testing. Allele origin: germline.

Ambry Genetics
Classification: Likely benign for Hereditary cancer-predisposing syndrome. Last evaluated: 2022-01-27. Review status: criteria provided, single submitter. Criteria: Ambry Variant Classification Scheme 2023. Collection method: clinical testing. Allele origin: germline.

Genome-Nilou Lab
Classification: Benign for Tuberous sclerosis 2. Last evaluated: 2021-11-07. Review status: criteria provided, single submitter. Criteria: ACMG Guidelines, 2015. Collection method: clinical testing. Allele origin: germline. Affected: no.

GeneDx
Classification: Benign. Last evaluated: 2019-10-16. Review status: criteria provided, single submitter. Criteria: GeneDx Variant Classification Process June 2021. Collection method: clinical testing. Allele origin: germline. Affected: yes.
Comment: This variant is associated with the following publications: (PMID: 21510812)

Tuberous sclerosis database (TSC2)
No classification provided. Condition: TSC. Review status: no classification provided. Criteria: Tuberous Sclerosis Database Assertion Criteria 2015. Collection method: curation. Allele origin: germline. Affected: no. Not counted in ClinVar's aggregate classification.